The following is an entry in ClinVar:

ClinVar aggregate classification (germline): Conflicting classifications of pathogenicity. Review status: criteria provided, conflicting classifications (1 of 4 stars). 2 submissions from 2 submitters: Uncertain significance (1); Likely benign (1). Last evaluated 2023-09-08.

Conditions:
Pseudohypoaldosteronism type 2B (PHA2B). Also called: Pseudohypoaldosteronism Type IIB. Identifiers: Orphanet 757, Orphanet 88939, MedGen C1840390, MONDO:0013777, OMIM 614491.

Allele frequency attached by ClinVar (database versions not stated): gnomAD exomes 0.00002 and 0.00004; ExAC 0.00003; gnomAD 0.00007 and 0.00008; TOPMed 0.00008.
gnomAD v4.1: 74 of 1,612,484 alleles (0.0046%); highest among the groups gnomAD compares: African/African-American, 0.0067%; no homozygotes.

Submissions (2):

Genetic Services Laboratory, University of Chicago
Classification: Uncertain significance. Last evaluated: 2023-09-08. Review status: criteria provided, single submitter. Criteria: ACMG Guidelines, 2015. Collection method: clinical testing. Allele origin: germline. Affected: no.
Comment: DNA sequence analysis of the WNK4 gene demonstrated a sequence change, c.2030G>A, in exon 10 that results in an amino acid change, p.Arg677Gln. This sequence change does not appear to have been previously described in individuals with WNK4-related disorders. This sequence change has been described in the gnomAD database with a frequency of 0.005% in the European (non-Finnish) subpopulation (dbSNP rs772583212). The p.Arg677Gln change affects a moderately conserved amino acid residue located in a domain of the WNK4 protein that is not known to be functional. In-silico pathogenicity prediction tools (SIFT, PolyPhen2, Align GVGD, REVEL) provide contradictory results for the p.Arg677Gln substitution. Due to insufficient evidences and the lack of functional studies, the clinical significance of the p.Arg677Gln change remains unknown at this time.

Illumina Laboratory Services, Illumina
Classification: Likely benign for Pseudohypoaldosteronism type 2B. Last evaluated: 2018-01-13. Review status: criteria provided, single submitter. Criteria: ICSL Variant Classification Criteria 13 December 2019. Collection method: clinical testing. Allele origin: germline.
Comment: This variant was observed in the ICSL laboratory as part of a predisposition screen in an ostensibly healthy population. It had not been previously curated by ICSL or reported in the Human Gene Mutation Database (HGMD: prior to June 1st, 2018), and was therefore a candidate for classification through an automated scoring system. Utilizing variant allele frequency, disease prevalence and penetrance estimates, and inheritance mode, an automated score was calculated to assess if this variant is too frequent to cause the disease. Based on the score and internal cut-off values, a variant classified as likely benign is not then subjected to further curation. The score for this variant resulted in a classification of likely benign for this disease.

NM_032387.5(WNK4):c.2030G>A (p.Arg677Gln)

Gene: WNK4 (WNK lysine deficient protein kinase 4; plus strand). Cytogenetic location: 17q21.2.
Variant type: single nucleotide variant.
Coding change: c.2030G>A on transcript NM_032387.5 (MANE Select); coding-DNA position 2030, G replaced by A.
Protein change: p.Arg677Gln; replaces arginine 677 with glutamine.
Molecular consequence: missense variant.
Genome position (GRCh38, 1-based): chr17:42,788,397, G>A. VCF-style: chr17-42788397-G-A. GRCh37 (hg19) VCF-style: chr17-40940415-G-A.
Other names: c.1022G>A, p.Arg341Gln (NM_001321299.2); short protein forms R677Q, R341Q.
Identifiers: ClinVar variation 891833 (VCV000891833.6), dbSNP rs772583212, ClinGen allele CA8584189.
Genomic context (GRCh38, chr17:42,788,397, plus strand): 5'-TGGGACAAATGAGGAGACCCCCAGGGAGGAATCTCCGGCGCAGACCCCGATCCCGGCTGC[G>A]GGTCACTAGTGTAAGGATGGAGTACAGGAGATAGAGAGTAACCTACAGGGCCAGGAGGGA-3'
Protein context (NP_115763.2, residues 667-687): NLRRRPRSRL[Arg677Gln]VTSVSDQNDR